The following is an entry in ClinVar:

NM_000092.5(COL4A4):c.2346del (p.Gly783fs)

Gene: COL4A4 (collagen type IV alpha 4 chain; minus strand). Cytogenetic location: 2q36.3.
Variant type: Deletion.
Coding change: c.2346del on transcript NM_000092.5 (MANE Select); coding-DNA position 2346, one base deleted (A; older notation c.2346delA).
Protein change: p.Gly783fs; shifts the reading frame from glycine 783.
Molecular consequence: frameshift variant.
Genome position (GRCh38, 1-based): chr2:227,059,442, T deleted on the plus strand (A on the coding strand, the reverse complement: COL4A4 is on the minus strand); the first of 4 consecutive T bases (chr2:227,059,442-227,059,445); deleting any one gives the same sequence. VCF-style (leftmost placement, unchanged base first): chr2-227059441-CT-C. GRCh37 (hg19) VCF-style: chr2-227924157-CT-C.
Other names: short protein forms G783fs.
Identifiers: ClinVar variation 1724270 (VCV001724270.2), dbSNP rs2474218124, ClinGen allele CA645520948.
Genomic context (GRCh38, chr2:227,059,441, plus strand): 5'-AAAAGGACAGCAAAGCCCTCATACCTTCAGCCCCTGGACATCCCGGATCACCTCTGGGTC[CT>C]TTTATCCCTGGCACTCCTGAAAGACCCCTCTTTCCCGGGGGTCCCAGGTGACCAAATGCA-3'

ClinVar aggregate classification (germline): Likely pathogenic (1 of 4 stars; one submission).

Conditions:
Autosomal recessive Alport syndrome (ATS2). Also called: COL4A3-Related Nephropathy; COL4A4 Alport Syndrome and Thin Basement Membrane Nephropathy; ALPORT SYNDROME 2, AUTOSOMAL RECESSIVE; Alport syndrome type 2. Identifiers: Orphanet 63, Orphanet 88919, MedGen C4746745, MONDO:0008762, OMIM 203780.

Submission:

Myriad Genetics, Inc.
Classification: Likely pathogenic for Autosomal recessive Alport syndrome. Last evaluated: 2022-02-02. Review status: criteria provided, single submitter. Criteria: Myriad Women's Health Autosomal Recessive and X-Linked Classification Criteria (2021). Collection method: clinical testing. Allele origin: unknown.
Comment: NM_000092.4(COL4A4):c.2346delA(G783Dfs*21) is expected to be pathogenic in the context of COL4A4-related Alport syndrome. This variant is predicted to lead to an abnormal or absent protein product due to the creation of a premature termination codon in COL4A4, a gene where loss-of-function variants are known to be pathogenic. Please note: this variant was assessed in the context of healthy population screening.